The following is an entry in ClinVar:

NM_000268.4(NF2):c.472C>T (p.His158Tyr)

Gene: NF2 (NF2, moesin-ezrin-radixin like (MERLIN) tumor suppressor; plus strand). Cytogenetic location: 22q12.2.
Variant type: single nucleotide variant.
Coding change: c.472C>T on transcript NM_000268.4 (MANE Select); coding-DNA position 472, C replaced by T.
Protein change: p.His158Tyr; replaces histidine 158 with tyrosine.
Molecular consequence: missense variant. On other transcripts: 5 prime UTR variant (1), intron variant (1).
Genome position (GRCh38, 1-based): chr22:29,654,681, C>T. VCF-style: chr22-29654681-C-T. GRCh37 (hg19) VCF-style: chr22-30050670-C-T.
Other names: c.358C>T, p.His120Tyr (NM_001407053.1, NM_001407056.1); c.349C>T, p.His117Tyr (NM_001407054.1, NM_001407058.1, NM_001407062.1 and 1 more transcripts); c.346C>T, p.His116Tyr (NM_001407055.1, NM_181828.3); c.472C>T, p.His158Tyr (NM_001407057.1, NM_001407059.1, NM_001407060.1 and 4 more transcripts); c.223C>T, p.His75Tyr (NM_001407063.1, NM_001407064.1, NM_181830.3 and 1 more transcripts); c.-169C>T (NM_001407065.1); c.241C>T, p.His81Tyr (NM_001407067.1); c.447+12396C>T (NM_181833.3); short protein forms H117Y, H75Y, H116Y, H120Y, H81Y, H158Y.
Identifiers: ClinVar variation 2914086 (VCV002914086.5), dbSNP rs1247428319, ClinGen allele CA411142162.
Genomic context (GRCh38, chr22:29,654,681, plus strand): 5'-AATCTCAATCGCCTGCTCTCCCTTTCTTCTTTCCAGTATGGTGACTACGACCCCAGTGTT[C>T]ACAAGCGGGGATTTTTGGCCCAAGAGGAATTGCTTCCAAAAAGGGTAAGAGATTAAATTC-3'
Protein context (NP_000259.1, residues 148-168): AKYGDYDPSV[His158Tyr]KRGFLAQEEL

ClinVar aggregate classification (germline): Uncertain significance. Review status: criteria provided, multiple submitters, no conflicts (2 of 4 stars). 3 submissions from 3 submitters: Uncertain significance (3). Last evaluated 2025-06-02.

Conditions:
Hereditary cancer-predisposing syndrome. Also called: Hereditary neoplastic syndrome; Neoplastic Syndromes, Hereditary; Tumor predisposition; Hereditary Cancer Syndrome. Identifiers: Orphanet 140162, MedGen C0027672, MeSH D009386, MONDO:0015356.
Neurofibromatosis, type 2 (SWNV). Also called: NF2-Related Schwannomatosis; BILATERAL ACOUSTIC NEUROFIBROMATOSIS; SCHWANNOMATOSIS, VESTIBULAR. Identifiers: Orphanet 637, MedGen C0027832, MONDO:0007039, OMIM 101000. Disease mechanism: loss of function.

Allele frequency attached by ClinVar (database versions not stated): gnomAD exomes below 0.00001; TOPMed below 0.00001; gnomAD 0.00001.
gnomAD v4.1: 3 of 1,613,784 alleles (0.00019%); highest among the groups gnomAD compares: East Asian, 0.0067%; no homozygotes.

Submissions (3):

Color Diagnostics, LLC DBA Color Health
Classification: Uncertain significance for Neurofibromatosis, type 2. Last evaluated: 2025-06-02. Review status: criteria provided, single submitter. Criteria: ACMG Guidelines, 2015. Collection method: clinical testing. Allele origin: germline.
Comment: This missense variant replaces histidine with tyrosine at codon 158 of the NF2 protein. Computational prediction suggests that this variant may have deleterious impact on protein structure and function. To our knowledge, functional studies have not been reported for this variant. This variant has not been reported in individuals affected with NF2-related disorders in the literature. This variant has not been identified in the general population by the Genome Aggregation Database (gnomAD). The available evidence is insufficient to determine the role of this variant in disease conclusively. Therefore, this variant is classified as a Variant of Uncertain Significance.

Ambry Genetics
Classification: Uncertain significance for Hereditary cancer-predisposing syndrome. Last evaluated: 2025-03-20. Review status: criteria provided, single submitter. Criteria: Ambry Variant Classification Scheme 2023. Collection method: clinical testing. Allele origin: germline.
Comment: The p.H158Y variant (also known as c.472C>T), located in coding exon 5 of the NF2 gene, results from a C to T substitution at nucleotide position 472. The histidine at codon 158 is replaced by tyrosine, an amino acid with similar properties. This amino acid position is highly conserved in available vertebrate species. In addition, this alteration is predicted to be deleterious by in silico analysis. Based on the available evidence, the clinical significance of this variant remains unclear.

Labcorp Genetics (formerly Invitae), Labcorp
Classification: Uncertain significance for Neurofibromatosis, type 2. Last evaluated: 2023-03-29. Review status: criteria provided, single submitter. Criteria: Invitae Variant Classification Sherloc (09022015). Collection method: clinical testing. Allele origin: germline.
Comment: In summary, the available evidence is currently insufficient to determine the role of this variant in disease. Therefore, it has been classified as a Variant of Uncertain Significance. Advanced modeling of protein sequence and biophysical properties (such as structural, functional, and spatial information, amino acid conservation, physicochemical variation, residue mobility, and thermodynamic stability) performed at Invitae indicates that this missense variant is not expected to disrupt NF2 protein function. This variant has not been reported in the literature in individuals affected with NF2-related conditions. This variant is not present in population databases (gnomAD no frequency). This sequence change replaces histidine, which is basic and polar, with tyrosine, which is neutral and polar, at codon 158 of the NF2 protein (p.His158Tyr).